The following is an entry in ClinVar:

ClinVar aggregate classification (germline): Uncertain significance (1 of 4 stars; one submission).

Conditions:
Developmental delay, dysmorphic facies, and brain anomalies. Identifiers: MedGen C5882698, MONDO:0957810, OMIM 620535.

gnomAD v4.1: 1 of 1,612,686 alleles (0.000062%); highest among the groups gnomAD compares: Non-Finnish European, 0.000085%; no homozygotes.

Submission:

Pittsburgh Clinical Genomics Laboratory, University of Pittsburgh Medical Center
Classification: Uncertain significance for Developmental delay, dysmorphic facies, and brain anomalies. Last evaluated: 2024-02-06. Review status: criteria provided, single submitter. Criteria: ACMG Guidelines, 2015. Collection method: clinical testing. Allele origin: germline. Inheritance: Autosomal dominant inheritance. Affected: yes.
Comment: This sequence variant is a single nucleotide substitution (G>A) at position 530 of the coding sequence of the U2AF2 gene that results in a glycine to glutamic acid amino acid change at residue 177 of the U2 small nuclear RNA auxiliary factor 2 protein. This residue falls in the eukaryotic RNA recognition motif of the protein (UniProt). This variant is absent from ClinVar and publications. This variant is present in 1/628256 alleles (0.0002%) in the gnomAD v4.0.0 population database. Bioinformatic tools are inconclusive if this variant is likely to be damaging or tolerated, and the Gly177 residue at this position is highly conserved across the vertebrate species examined. Studies examining the functional consequence of this variant have not been performed, to our knowledge. At this time, there is insufficient evidence to determine if this variant is pathogenic or benign. Therefore, we consider this a variant of uncertain significance. ACMG Criteria: PM2

NM_007279.3(U2AF2):c.530G>A (p.Gly177Glu)

Gene: U2AF2 (U2 small nuclear RNA auxiliary factor 2; plus strand). Cytogenetic location: 19q13.42.
Variant type: single nucleotide variant.
Coding change: c.530G>A on transcript NM_007279.3 (MANE Select); coding-DNA position 530, G replaced by A.
Protein change: p.Gly177Glu; replaces glycine 177 with glutamic acid.
Molecular consequence: missense variant.
Genome position (GRCh38, 1-based): chr19:55,662,545, G>A. VCF-style: chr19-55662545-G-A. GRCh37 (hg19) VCF-style: chr19-56173911-G-A.
Other names: c.530G>A, p.Gly177Glu (NM_001012478.2); short protein forms G177E.
Identifiers: ClinVar variation 3376364 (VCV003376364.1).